The following is an entry in ClinVar:

NM_003332.4(TYROBP):c.208C>T (p.Arg70Trp)

Gene: TYROBP (transmembrane immune signaling adaptor TYROBP; minus strand). Cytogenetic location: 19q13.12.
Variant type: single nucleotide variant.
Coding change: c.208C>T on transcript NM_003332.4 (MANE Select); coding-DNA position 208, C replaced by T.
Protein change: p.Arg70Trp; replaces arginine 70 with tryptophan.
Molecular consequence: missense variant. On other transcripts: non-coding transcript variant (1).
Genome position (GRCh38, 1-based): chr19:35,907,467, G>A on the plus strand (C>T on the coding strand, the complement: TYROBP is on the minus strand). VCF-style: chr19-35907467-G-A. GRCh37 (hg19) VCF-style: chr19-36398369-G-A.
Other names: c.175C>T, p.Arg59Trp (NM_001173514.2, NM_001173515.2); c.208C>T, p.Arg70Trp (NM_198125.3); short protein forms R59W, R70W.
Identifiers: ClinVar variation 1302050 (VCV001302050.10), dbSNP rs200264632, ClinGen allele CA9393078.
Genomic context (GRCh38, chr19:35,907,467, plus strand): 5'-AGGCAAGTCCTCAGGATGTCCCCTGCTAGCCCCACTCACCCTCCGCAGCCCCTCGCCCCC[G>A]AGGGACCAGCCGGCCCAGGAAGTACACGGCCAGGGCAATGAGCACTGTCAGCACCAGGTC-3'
Protein context (NP_003323.1, residues 60-80): AVYFLGRLVP[Arg70Trp]GRGAAEAATR

ClinVar aggregate classification (germline): Uncertain significance. Review status: criteria provided, multiple submitters, no conflicts (2 of 4 stars). 3 submissions from 3 submitters: Uncertain significance (3). Last evaluated 2024-09-06.

Conditions:
Inborn genetic diseases. Identifiers: MedGen C0950123, MeSH D030342.

Allele frequency attached by ClinVar (database versions not stated): TOPMed 0.00001; gnomAD exomes 0.00012; 1000 Genomes Project 30x 0.00016; 1000 Genomes Project 0.00020; ExAC 0.00012; gnomAD 0.00014.

Submissions (3):

Labcorp Genetics (formerly Invitae), Labcorp
Classification: Uncertain significance. Last evaluated: 2024-09-06. Review status: criteria provided, single submitter. Criteria: Invitae Variant Classification Sherloc (09022015). Collection method: clinical testing. Allele origin: germline.
Comment: This sequence change replaces arginine, which is basic and polar, with tryptophan, which is neutral and slightly polar, at codon 70 of the TYROBP protein (p.Arg70Trp). This variant is present in population databases (rs200264632, gnomAD 0.1%), including at least one homozygous and/or hemizygous individual. This variant has not been reported in the literature in individuals affected with TYROBP-related conditions. ClinVar contains an entry for this variant (Variation ID: 1302050). An algorithm developed to predict the effect of missense changes on protein structure and function (PolyPhen-2) suggests that this variant is likely to be disruptive. In summary, the available evidence is currently insufficient to determine the role of this variant in disease. Therefore, it has been classified as a Variant of Uncertain Significance.

Ambry Genetics
Classification: Uncertain significance for Inborn genetic diseases. Last evaluated: 2024-08-09. Review status: criteria provided, single submitter. Criteria: Ambry Variant Classification Scheme 2023. Collection method: clinical testing. Allele origin: germline.

GeneDx
Classification: Uncertain significance. Last evaluated: 2019-04-30. Review status: criteria provided, single submitter. Criteria: GeneDx Variant Classification Process June 2021. Collection method: clinical testing. Allele origin: germline. Affected: yes.
Comment: In silico analysis, which includes protein predictors and evolutionary conservation, supports a deleterious effect; Has not been previously published as pathogenic or benign to our knowledge